The following is an entry in ClinVar:

NM_000539.3(RHO):c.568G>T (p.Asp190Tyr)

Gene: RHO (rhodopsin; plus strand). Cytogenetic location: 3q22.1.
Variant type: single nucleotide variant.
Coding change: c.568G>T on transcript NM_000539.3 (MANE Select); coding-DNA position 568, G replaced by T.
Protein change: p.Asp190Tyr; replaces aspartic acid 190 with tyrosine.
Molecular consequence: missense variant.
Genome position (GRCh38, 1-based): chr3:129,532,288, G>T. VCF-style: chr3-129532288-G-T. GRCh37 (hg19) VCF-style: chr3-129251131-G-T.
Other names: short protein forms D190Y.
Identifiers: ClinVar variation 13040 (VCV000013040.12), dbSNP rs104893779, ClinGen allele CA256684.

ClinVar aggregate classification (germline): Pathogenic. Review status: criteria provided, multiple submitters, no conflicts (2 of 4 stars). 5 submissions from 5 submitters: Pathogenic (3). 2 of the submissions do not count toward it. Last evaluated 2023-08-16.

Conditions:
RHO-related disorder. Also called: RHO-related condition.
Retinitis pigmentosa 4 (RP4). Also called: RETINITIS PIGMENTOSA, RHODOPSIN-RELATED. Identifiers: Orphanet 791, MedGen C3151001, MONDO:0013395, OMIM 613731.
Retinitis pigmentosa (RP). Identifiers: Orphanet 791, MedGen C0035334, MeSH D012174, MONDO:0019200, OMIM 268000. Inheritance: Autosomal dominant, autosomal recessive and X linked inheritance.

Submissions (5):

Institute of Medical Genetics and Applied Genomics, University Hospital Tübingen
Classification: Pathogenic for Retinitis pigmentosa. Last evaluated: 2023-08-16. Review status: criteria provided, single submitter. Criteria: ACMG Guidelines, 2015. Collection method: clinical testing. Allele origin: germline. Inheritance: Autosomal dominant inheritance. Affected: yes.

Labcorp Genetics (formerly Invitae), Labcorp
Classification: Pathogenic. Last evaluated: 2022-09-10. Review status: criteria provided, single submitter. Criteria: Invitae Variant Classification Sherloc (09022015). Collection method: clinical testing. Allele origin: germline.
Comment: This sequence change replaces aspartic acid, which is acidic and polar, with tyrosine, which is neutral and polar, at codon 190 of the RHO protein (p.Asp190Tyr). This variant is not present in population databases (gnomAD no frequency). This missense change has been observed in individuals with autosomal dominant retinitis pigmentosa (PMID: 11141431, 29847639). It has also been observed to segregate with disease in related individuals. ClinVar contains an entry for this variant (Variation ID: 13040). Advanced modeling of protein sequence and biophysical properties (such as structural, functional, and spatial information, amino acid conservation, physicochemical variation, residue mobility, and thermodynamic stability) performed at Invitae indicates that this missense variant is expected to disrupt RHO protein function. Experimental studies have shown that this missense change affects RHO function (PMID: 30240733, 30977563). This variant disrupts the p.Asp190 amino acid residue in RHO. Other variant(s) that disrupt this residue have been determined to be pathogenic (PMID: 1765377, 1862076, 24520188). This suggests that this residue is clinically significant, and that variants that disrupt this residue are likely to be disease-causing. For these reasons, this variant has been classified as Pathogenic.

Blueprint Genetics
Classification: Pathogenic for RHO-related disorders. Last evaluated: 2022-04-07. Review status: criteria provided, single submitter. Criteria: ACMG Guidelines, 2015. Collection method: clinical testing. Allele origin: germline. Affected: yes. Observed: 5 variant alleles.

NIHR Bioresource Rare Diseases, University of Cambridge
Classification: Likely pathogenic for Retinitis pigmentosa. Last evaluated: 2015-01-01. Review status: no assertion criteria provided. Collection method: research. Allele origin: unknown. Affected: yes. Observed: 2 variant alleles. Not counted in ClinVar's aggregate classification.

OMIM
Classification: Pathogenic for RETINITIS PIGMENTOSA 4. Last evaluated: 1992-05-01. Review status: no assertion criteria provided. Collection method: literature only. Allele origin: germline. Not counted in ClinVar's aggregate classification.

Literature cited by the submitters: PubMed 11141431 (cited by Labcorp Genetics (formerly Invitae), Labcorp); PubMed 29847639 (cited by Labcorp Genetics (formerly Invitae), Labcorp); PubMed 30240733 (cited by Labcorp Genetics (formerly Invitae), Labcorp); PubMed 30977563 (cited by Labcorp Genetics (formerly Invitae), Labcorp); PubMed 1765377 (cited by Labcorp Genetics (formerly Invitae), Labcorp); PubMed 1862076 (cited by Labcorp Genetics (formerly Invitae), Labcorp); PubMed 24520188 (cited by Labcorp Genetics (formerly Invitae), Labcorp); PubMed 8401533 (cited by NIHR Bioresource Rare Diseases, University of Cambridge); PubMed 28041643 (cited by NIHR Bioresource Rare Diseases, University of Cambridge); PubMed 1580841 (cited by OMIM).